The following is an entry in ClinVar:

ClinVar aggregate classification (germline): Likely pathogenic (1 of 4 stars; one submission).

Submission:

Labcorp Genetics (formerly Invitae), Labcorp
Classification: Likely pathogenic. Last evaluated: 2021-09-21. Review status: criteria provided, single submitter. Criteria: Invitae Variant Classification Sherloc (09022015). Collection method: clinical testing. Allele origin: germline.
Comment: This sequence change affects a donor splice site in intron 1 of the INPPL1 gene. It is expected to disrupt RNA splicing. Variants that disrupt the donor or acceptor splice site typically lead to a loss of protein function (PMID: 16199547), and loss-of-function variants in INPPL1 are known to be pathogenic (PMID: 23273567, 23273569). The frequency data for this variant in the population databases is considered unreliable, as metrics indicate insufficient coverage at this position in the ExAC database. This variant has not been reported in the literature in individuals affected with INPPL1-related conditions. Algorithms developed to predict the effect of sequence changes on RNA splicing suggest that this variant may disrupt the consensus splice site. In summary, the currently available evidence indicates that the variant is pathogenic, but additional data are needed to prove that conclusively. Therefore, this variant has been classified as Likely Pathogenic.

Literature cited by the submitters: PubMed 16199547; PubMed 23273567; PubMed 23273569.

NM_001567.4(INPPL1):c.182+1G>A

Genes: INPPL1 (inositol polyphosphate phosphatase like 1; plus strand), LOC130006328 (ATAC-STARR-seq lymphoblastoid silent region 3717; plus strand). Cytogenetic location: 11q13.4.
Variant type: single nucleotide variant.
Coding change: c.182+1G>A on transcript NM_001567.4 (MANE Select); the canonical splice donor site of the intron after coding-DNA position 182, G replaced by A.
Molecular consequence: splice donor variant.
Genome position (GRCh38, 1-based): chr11:72,225,167, G>A. VCF-style: chr11-72225167-G-A. GRCh37 (hg19) VCF-style: chr11-71936211-G-A.
Identifiers: ClinVar variation 1499246 (VCV001499246.6), dbSNP rs1161850370, ClinGen allele CA381755851.